The following is an entry in ClinVar:

ClinVar aggregate classification (germline): Conflicting classifications of pathogenicity. Review status: criteria provided, conflicting classifications (1 of 4 stars). 6 submissions from 6 submitters: Uncertain significance (4); Likely benign (1). 1 of the submissions does not count toward it. Last evaluated 2025-06-13.

Conditions:
Sanfilippo syndrome. Also called: Mucopolysaccharidosis type 3; Mucopolysaccharidosis Type III; Sanfilippo disease. Identifiers: Orphanet 581, MedGen C0026706, MONDO:0018937.
Mucopolysaccharidosis, MPS-III-D (MPS3D). Also called: SANFILIPPO SYNDROME D; MPS III D; Mucopoly-saccharidosis type 3D; N-acetylglucosamine-6-sulfate sulfatase deficiency; MPS 3D; N-ACETYLGLUCOSAMINE-6-SULFATASE DEFICIENCY. Identifiers: Orphanet 581, Orphanet 79272, MedGen C0086650, MONDO:0009658, OMIM 252940.
Inborn genetic diseases. Identifiers: MedGen C0950123, MeSH D030342.

Allele frequency attached by ClinVar (database versions not stated): TOPMed 0.00003; gnomAD 0.00004 and 0.00005; ExAC 0.00012; gnomAD exomes 0.00012.
gnomAD v4.1: 116 of 1,608,426 alleles (0.0072%); highest among the groups gnomAD compares: South Asian, 0.071%; no homozygotes.

Submissions (6):

Mayo Clinic Laboratories, Mayo Clinic
Classification: Uncertain significance. Last evaluated: 2025-06-13. Review status: criteria provided, single submitter. Criteria: ACMG Guidelines, 2015. Collection method: clinical testing. Allele origin: germline. Observed: 1 variant allele.

3billion
Classification: Likely benign for Mucopolysaccharidosis, MPS-III-D. Last evaluated: 2024-09-20. Review status: criteria provided, single submitter. Criteria: ACMG Guidelines, 2015. Collection method: clinical testing. Allele origin: germline. Affected: no.
Comment: The homozygous variant was found in patients diagnosed with another variant in a different gene, with no symptoms related to the gene containing the homozygous variant.

Ambry Genetics
Classification: Uncertain significance for Inborn genetic diseases. Last evaluated: 2024-04-20. Review status: criteria provided, single submitter. Criteria: Ambry Variant Classification Scheme 2023. Collection method: clinical testing. Allele origin: germline.

Labcorp Genetics (formerly Invitae), Labcorp
Classification: Uncertain significance for Mucopolysaccharidosis, MPS-III-D. Last evaluated: 2022-07-25. Review status: criteria provided, single submitter. Criteria: Invitae Variant Classification Sherloc (09022015). Collection method: clinical testing. Allele origin: germline.
Comment: This sequence change replaces threonine, which is neutral and polar, with methionine, which is neutral and non-polar, at codon 264 of the GNS protein (p.Thr264Met). This variant is present in population databases (rs575544204, gnomAD 0.07%). This variant has not been reported in the literature in individuals affected with GNS-related conditions. ClinVar contains an entry for this variant (Variation ID: 836831). Algorithms developed to predict the effect of missense changes on protein structure and function output the following: SIFT: "Deleterious"; PolyPhen-2: "Benign"; Align-GVGD: "Class C0". The methionine amino acid residue is found in multiple mammalian species, which suggests that this missense change does not adversely affect protein function. Algorithms developed to predict the effect of sequence changes on RNA splicing suggest that this variant may disrupt the consensus splice site. In summary, the available evidence is currently insufficient to determine the role of this variant in disease. Therefore, it has been classified as a Variant of Uncertain Significance.

Fulgent Genetics
Classification: Uncertain significance for Mucopolysaccharidosis, MPS-III-D. Last evaluated: 2022-05-11. Review status: criteria provided, single submitter. Criteria: ACMG Guidelines, 2015. Collection method: clinical testing. Allele origin: unknown.

Natera, Inc.
Classification: Uncertain significance for Sanfilippo disease. Last evaluated: 2020-03-11. Review status: no assertion criteria provided. Collection method: clinical testing. Allele origin: germline. Not counted in ClinVar's aggregate classification.

NM_002076.4(GNS):c.791C>T (p.Thr264Met)

Gene: GNS (glucosamine (N-acetyl)-6-sulfatase; minus strand). Cytogenetic location: 12q14.3.
Variant type: single nucleotide variant.
Coding change: c.791C>T on transcript NM_002076.4 (MANE Select); coding-DNA position 791, C replaced by T.
Protein change: p.Thr264Met; replaces threonine 264 with methionine.
Molecular consequence: missense variant.
Genome position (GRCh38, 1-based): chr12:64,743,142, G>A on the plus strand (C>T on the coding strand, the complement: GNS is on the minus strand). VCF-style: chr12-64743142-G-A. GRCh37 (hg19) VCF-style: chr12-65136922-G-A.
Other names: p.Thr264Met; short protein forms T264M.
Identifiers: ClinVar variation 836831 (VCV000836831.7), dbSNP rs575544204, ClinGen allele CA6669850.